The following is an entry in ClinVar:

ClinVar aggregate classification (germline): Uncertain significance (1 of 4 stars; one submission).

Conditions:
Dystonic disorder. Also called: Dystonia. Identifiers: MedGen C0013421, MONDO:0003441, HP:0001332.

Allele frequency attached by ClinVar (database versions not stated): gnomAD exomes below 0.00001.
gnomAD v4.1: 3 of 1,503,416 alleles (0.0002%); highest among the groups gnomAD compares: Non-Finnish European, 0.00018%; no homozygotes.

Submission:

Labcorp Genetics (formerly Invitae), Labcorp
Classification: Uncertain significance for Dystonic disorder. Last evaluated: 2022-02-02. Review status: criteria provided, single submitter. Criteria: Invitae Variant Classification Sherloc (09022015). Collection method: clinical testing. Allele origin: germline.
Comment: This sequence change replaces arginine, which is basic and polar, with leucine, which is neutral and non-polar, at codon 17 of the SPR protein (p.Arg17Leu). This variant is not present in population databases (gnomAD no frequency). This variant has not been reported in the literature in individuals affected with SPR-related conditions. Algorithms developed to predict the effect of missense changes on protein structure and function are either unavailable or do not agree on the potential impact of this missense change (SIFT: "Deleterious"; PolyPhen-2: "Probably Damaging"; Align-GVGD: "Class C0"). In summary, the available evidence is currently insufficient to determine the role of this variant in disease. Therefore, it has been classified as a Variant of Uncertain Significance.

NM_003124.5(SPR):c.50G>T (p.Arg17Leu)

Genes: SPR (sepiapterin reductase; plus strand), LOC129934069 (ATAC-STARR-seq lymphoblastoid silent region 11626; plus strand). Cytogenetic location: 2p13.2.
Variant type: single nucleotide variant.
Coding change: c.50G>T on transcript NM_003124.5 (MANE Select); coding-DNA position 50, G replaced by T.
Protein change: p.Arg17Leu; replaces arginine 17 with leucine.
Molecular consequence: missense variant.
Genome position (GRCh38, 1-based): chr2:72,887,482, G>T. VCF-style: chr2-72887482-G-T. GRCh37 (hg19) VCF-style: chr2-73114611-G-T.
Other names: short protein forms R17L.
Identifiers: ClinVar variation 1428836 (VCV001428836.3), dbSNP rs1178970708, ClinGen allele CA347230424.